The following is an entry in ClinVar:

NM_198428.3(BBS9):c.778G>T (p.Val260Phe)

Gene: BBS9 (Bardet-Biedl syndrome 9; plus strand). Cytogenetic location: 7p14.3.
Variant type: single nucleotide variant.
Coding change: c.778G>T on transcript NM_198428.3 (MANE Select); coding-DNA position 778, G replaced by T.
Protein change: p.Val260Phe; replaces valine 260 with phenylalanine.
Molecular consequence: missense variant. On other transcripts: non-coding transcript variant (3).
Genome position (GRCh38, 1-based): chr7:33,273,087, G>T. VCF-style: chr7-33273087-G-T. GRCh37 (hg19) VCF-style: chr7-33312699-G-T.
Other names: c.778G>T, p.Val260Phe (NM_001033604.2, NM_001033605.2, NM_001348036.1 and 5 more transcripts); c.412G>T, p.Val138Phe (NM_001348037.3, NM_001348044.3, NM_001348045.3 and 1 more transcripts); c.505G>T, p.Val169Phe (NM_001348038.3, NM_001348039.3); c.643G>T, p.Val215Phe (NM_001348042.3); short protein forms V138F, V169F, V260F, V215F.
Identifiers: ClinVar variation 957568 (VCV000957568.8), dbSNP rs149093988, ClinGen allele CA4214110.

ClinVar aggregate classification (germline): Uncertain significance (1 of 4 stars; one submission).

Conditions:
Bardet-Biedl syndrome (BBS). Identifiers: Orphanet 110, MedGen C0752166, MONDO:0015229.

Allele frequency attached by ClinVar (database versions not stated): gnomAD exomes below 0.00001; ExAC 0.00001; ESP Exome Variant Server 0.00008.

Submission:

Labcorp Genetics (formerly Invitae), Labcorp
Classification: Uncertain significance for Bardet-Biedl syndrome. Last evaluated: 2022-02-24. Review status: criteria provided, single submitter. Criteria: Invitae Variant Classification Sherloc (09022015). Collection method: clinical testing. Allele origin: germline.
Comment: This variant is present in population databases (rs149093988, gnomAD 0.007%). This variant has not been reported in the literature in individuals affected with BBS9-related conditions. ClinVar contains an entry for this variant (Variation ID: 957568). Algorithms developed to predict the effect of missense changes on protein structure and function (SIFT, PolyPhen-2, Align-GVGD) all suggest that this variant is likely to be disruptive. In summary, the available evidence is currently insufficient to determine the role of this variant in disease. Therefore, it has been classified as a Variant of Uncertain Significance. This sequence change replaces valine, which is neutral and non-polar, with phenylalanine, which is neutral and non-polar, at codon 260 of the BBS9 protein (p.Val260Phe).